The following is an entry in ClinVar:

NM_020975.6(RET):c.1681A>G (p.Ser561Gly)

Gene: RET (ret proto-oncogene; plus strand). Cytogenetic location: 10q11.21.
Variant type: single nucleotide variant.
Coding change: c.1681A>G on transcript NM_020975.6 (MANE Select); coding-DNA position 1681, A replaced by G.
Protein change: p.Ser561Gly; replaces serine 561 with glycine.
Molecular consequence: missense variant.
Genome position (GRCh38, 1-based): chr10:43,112,885, A>G. VCF-style: chr10-43112885-A-G. GRCh37 (hg19) VCF-style: chr10-43608333-A-G.
Other names: c.1681A>G, p.Ser561Gly (NM_000323.2, NM_001406743.1, NM_001406744.1 and 6 more transcripts); c.919A>G, p.Ser307Gly (NM_001355216.2); c.1552A>G, p.Ser518Gly (NM_001406761.1, NM_001406762.1, NM_001406764.1 and 1 more transcripts); c.1393A>G, p.Ser465Gly (NM_001406766.1, NM_001406767.1, NM_001406770.1); c.1285A>G, p.Ser429Gly (NM_001406769.1, NM_001406772.1); c.1243A>G, p.Ser415Gly (NM_001406771.1, NM_001406773.1); c.1156A>G, p.Ser386Gly (NM_001406774.1); c.955A>G, p.Ser319Gly (NM_001406775.1, NM_001406776.1, NM_001406777.1 and 1 more transcripts); and 5 more; short protein forms S166G, S465G, S231G, S262G, S307G, S319G, S219G, S386G.
Identifiers: ClinVar variation 2568380 (VCV002568380.5), dbSNP rs201972250, ClinGen allele CA376551854.

ClinVar aggregate classification (germline): Uncertain significance. Review status: criteria provided, multiple submitters, no conflicts (2 of 4 stars). 2 submissions from 2 submitters: Uncertain significance (2). Last evaluated 2023-09-01.

Conditions:
Multiple endocrine neoplasia, type 2 (MEN2). Identifiers: Orphanet 653, MedGen C4048306, MONDO:0019003. Disease mechanism: gain of function.
Hereditary cancer-predisposing syndrome. Also called: Hereditary neoplastic syndrome; Hereditary Cancer Syndrome; Neoplastic Syndromes, Hereditary; Tumor predisposition. Identifiers: Orphanet 140162, MedGen C0027672, MeSH D009386, MONDO:0015356.

Submissions (2):

Labcorp Genetics (formerly Invitae), Labcorp
Classification: Uncertain significance for Multiple endocrine neoplasia, type 2. Last evaluated: 2023-09-01. Review status: criteria provided, single submitter. Criteria: Invitae Variant Classification Sherloc (09022015). Collection method: clinical testing. Allele origin: germline.
Comment: This sequence change replaces serine, which is neutral and polar, with glycine, which is neutral and non-polar, at codon 561 of the RET protein (p.Ser561Gly). In summary, the available evidence is currently insufficient to determine the role of this variant in disease. Therefore, it has been classified as a Variant of Uncertain Significance. An algorithm developed to predict the effect of missense changes on protein structure and function (PolyPhen-2) suggests that this variant is likely to be tolerated. ClinVar contains an entry for this variant (Variation ID: 2568380). This variant has not been reported in the literature in individuals affected with RET-related conditions. This variant is not present in population databases (gnomAD no frequency).

Ambry Genetics
Classification: Uncertain significance for Hereditary cancer-predisposing syndrome. Last evaluated: 2023-06-04. Review status: criteria provided, single submitter. Criteria: Ambry Variant Classification Scheme 2023. Collection method: clinical testing. Allele origin: germline.
Comment: The p.S561G variant (also known as c.1681A>G), located in coding exon 9 of the RET gene, results from an A to G substitution at nucleotide position 1681. The serine at codon 561 is replaced by glycine, an amino acid with similar properties. This amino acid position is conserved. In addition, the in silico prediction for this alteration is inconclusive. Since supporting evidence is limited at this time, the clinical significance of this alteration remains unclear.